The following is an entry in ClinVar:

NM_000760.4(CSF3R):c.1141G>A (p.Ala381Thr)

Gene: CSF3R (colony stimulating factor 3 receptor; minus strand). Cytogenetic location: 1p34.3.
Variant type: single nucleotide variant.
Coding change: c.1141G>A on transcript NM_000760.4 (MANE Select); coding-DNA position 1141, G replaced by A.
Protein change: p.Ala381Thr; replaces alanine 381 with threonine.
Molecular consequence: missense variant.
Genome position (GRCh38, 1-based): chr1:36,471,577, C>T on the plus strand (G>A on the coding strand, the complement: CSF3R is on the minus strand). VCF-style: chr1-36471577-C-T. GRCh37 (hg19) VCF-style: chr1-36937178-C-T.
Other names: c.1141G>A, p.Ala381Thr (NM_156039.3, NM_172313.3); short protein forms A381T.
Identifiers: ClinVar variation 4747986 (VCV004747986.1).

ClinVar aggregate classification (germline): Uncertain significance (1 of 4 stars; one submission).

Conditions:
Autosomal recessive severe congenital neutropenia due to CSF3R deficiency. Also called: Neutropenia, severe congenital, 7, autosomal recessive. Identifiers: Orphanet 420702, MedGen C4310764, MONDO:0014865, OMIM 617014.

gnomAD v4.1: 1 of 1,614,238 alleles (0.000062%); highest among the groups gnomAD compares: Non-Finnish European, 0.000085%; no homozygotes.

Submission:

Labcorp Genetics (formerly Invitae), Labcorp
Classification: Uncertain significance for Autosomal recessive severe congenital neutropenia due to CSF3R deficiency. Last evaluated: 2025-06-12. Review status: criteria provided, single submitter. Criteria: Invitae Variant Classification Sherloc (09022015). Collection method: clinical testing. Allele origin: germline.
Comment: This sequence change replaces alanine, which is neutral and non-polar, with threonine, which is neutral and polar, at codon 381 of the CSF3R protein (p.Ala381Thr). This variant is not present in population databases (gnomAD no frequency). This variant has not been reported in the literature in individuals affected with CSF3R-related conditions. Invitae Evidence Modeling of protein sequence and biophysical properties (such as structural, functional, and spatial information, amino acid conservation, physicochemical variation, residue mobility, and thermodynamic stability) indicates that this missense variant is not expected to disrupt CSF3R protein function with a negative predictive value of 80%. In summary, the available evidence is currently insufficient to determine the role of this variant in disease. Therefore, it has been classified as a Variant of Uncertain Significance.